The following is an entry in ClinVar:

ClinVar aggregate classification (germline): Uncertain significance (1 of 4 stars; one submission).

gnomAD v4.1: 1 of 1,613,490 alleles (0.000062%); highest among the groups gnomAD compares: Admixed American, 0.0017%; no homozygotes.

Submission:

Labcorp Genetics (formerly Invitae), Labcorp
Classification: Uncertain significance. Last evaluated: 2023-04-09. Review status: criteria provided, single submitter. Criteria: Invitae Variant Classification Sherloc (09022015). Collection method: clinical testing. Allele origin: germline.
Comment: This variant has not been reported in the literature in individuals affected with COL4A2-related conditions. This variant is not present in population databases (gnomAD no frequency). Advanced modeling of protein sequence and biophysical properties (such as structural, functional, and spatial information, amino acid conservation, physicochemical variation, residue mobility, and thermodynamic stability) performed at Invitae indicates that this missense variant is not expected to disrupt COL4A2 protein function. This sequence change replaces alanine, which is neutral and non-polar, with serine, which is neutral and polar, at codon 505 of the COL4A2 protein (p.Ala505Ser). In summary, the available evidence is currently insufficient to determine the role of this variant in disease. Therefore, it has been classified as a Variant of Uncertain Significance.

NM_001846.4(COL4A2):c.1513G>T (p.Ala505Ser)

Genes: COL4A2 (collagen type IV alpha 2 chain; plus strand), COL4A2-AS2 (COL4A2 antisense RNA 2; minus strand). Cytogenetic location: 13q34.
Variant type: single nucleotide variant.
Coding change: c.1513G>T on transcript NM_001846.4 (MANE Select); coding-DNA position 1513, G replaced by T.
Protein change: p.Ala505Ser; replaces alanine 505 with serine.
Molecular consequence: missense variant.
Genome position (GRCh38, 1-based): chr13:110,458,851, G>T. VCF-style: chr13-110458851-G-T. GRCh37 (hg19) VCF-style: chr13-111111198-G-T.
Other names: short protein forms A505S.
Identifiers: ClinVar variation 2978250 (VCV002978250.3), dbSNP rs753867828, ClinGen allele CA388736564.
Genomic context (GRCh38, chr13:110,458,851, plus strand): 5'-TGTACAGAAGGCGACGAAGCTATCAAAGGTCTTCCGGGACTGCCAGGACCCAAGGGCTTC[G>T]CAGGCATCAACGGGGAGCCGGGGAGGAAAGGGGACAGAGGAGACCCCGGCCAACACGGCC-3'
Protein context (NP_001837.2, residues 495-515): LPGLPGPKGF[Ala505Ser]GINGEPGRKG